The following is an entry in ClinVar:

NM_005228.5(EGFR):c.350A>G (p.Tyr117Cys)

Gene: EGFR (epidermal growth factor receptor; plus strand). Cytogenetic location: 7p11.2.
Variant type: single nucleotide variant.
Coding change: c.350A>G on transcript NM_005228.5 (MANE Select); coding-DNA position 350, A replaced by G.
Protein change: p.Tyr117Cys; replaces tyrosine 117 with cysteine.
Molecular consequence: missense variant. On other transcripts: intron variant (1).
Genome position (GRCh38, 1-based): chr7:55,143,414, A>G. VCF-style: chr7-55143414-A-G. GRCh37 (hg19) VCF-style: chr7-55211107-A-G.
Other names: c.350A>G, p.Tyr117Cys (NM_001346897.2, NM_001346898.2, NM_001346899.2 and 3 more transcripts); c.191A>G, p.Tyr64Cys (NM_001346900.2); c.89-12416A>G (NM_001346941.2); short protein forms Y117C, Y64C.
Identifiers: ClinVar variation 4743376 (VCV004743376.2).

ClinVar aggregate classification (germline): Uncertain significance. Review status: criteria provided, multiple submitters, no conflicts (2 of 4 stars). 2 submissions from 2 submitters: Uncertain significance (2). Last evaluated 2026-06-24.

Conditions:
EGFR-related lung cancer (EGFR). Identifiers: MedGen CN130014.
Hereditary cancer-predisposing syndrome. Also called: Hereditary Cancer Syndrome; Hereditary neoplastic syndrome; Neoplastic Syndromes, Hereditary; Tumor predisposition. Identifiers: Orphanet 140162, MedGen C0027672, MeSH D009386, MONDO:0015356.

gnomAD v4.1: 2 of 1,614,258 alleles (0.00012%); highest among the groups gnomAD compares: Non-Finnish European, 0.00017%; no homozygotes.

Submissions (2):

Ambry Genetics
Classification: Uncertain significance for Hereditary cancer-predisposing syndrome. Last evaluated: 2026-06-24. Review status: criteria provided, single submitter. Criteria: Ambry Variant Classification Scheme 2023. Collection method: clinical testing. Allele origin: germline.
Comment: The p.Y117C variant (also known as c.350A>G), located in coding exon 3 of the EGFR gene, results from an A to G substitution at nucleotide position 350. The tyrosine at codon 117 is replaced by cysteine, an amino acid with highly dissimilar properties. This amino acid position is not well conserved in available vertebrate species. In addition, the in silico prediction for this alteration is inconclusive. Based on the available evidence, the clinical significance of this variant remains unclear.

Labcorp Genetics (formerly Invitae), Labcorp
Classification: Uncertain significance for EGFR-related lung cancer. Last evaluated: 2025-10-16. Review status: criteria provided, single submitter. Criteria: Invitae Variant Classification Sherloc (09022015). Collection method: clinical testing. Allele origin: germline.
Comment: This sequence change replaces tyrosine, which is neutral and polar, with cysteine, which is neutral and slightly polar, at codon 117 of the EGFR protein (p.Tyr117Cys). This variant is not present in population databases (gnomAD no frequency). This variant has not been reported in the literature in individuals affected with EGFR-related conditions. Invitae Evidence Modeling of protein sequence and biophysical properties (such as structural, functional, and spatial information, amino acid conservation, physicochemical variation, residue mobility, and thermodynamic stability) indicates that this missense variant is not expected to disrupt EGFR protein function with a negative predictive value of 80%. In summary, the available evidence is currently insufficient to determine the role of this variant in disease. Therefore, it has been classified as a Variant of Uncertain Significance.